The following is an entry in ClinVar:

NM_002224.4(ITPR3):c.1551+5G>A

Gene: ITPR3 (inositol 1,4,5-trisphosphate receptor type 3; plus strand). Cytogenetic location: 6p21.31.
Variant type: single nucleotide variant.
Coding change: c.1551+5G>A on transcript NM_002224.4 (MANE Select); 5 bases into the intron after coding-DNA position 1551, G replaced by A.
Molecular consequence: intron variant.
Genome position (GRCh38, 1-based): chr6:33,665,981, G>A. VCF-style: chr6-33665981-G-A. GRCh37 (hg19) VCF-style: chr6-33633758-G-A.
Other names: NC_000006.11:g.33633758G>A.
Identifiers: ClinVar variation 791142 (VCV000791142.7), dbSNP rs9469543, ClinGen allele CA3760280.
Genomic context (GRCh38, chr6:33,665,981, plus strand): 5'-CTAAGCCCAACCGGGAACGGCAGAAGCTGATGAGGGAGCAGAACATCCTCAAACAGGTGC[G>A]TGTGCACCCATGAGGGGACGCAGAGGGGCCGGGTGCCCGGGAGAGGGATGCCTTCAACTG-3'

ClinVar aggregate classification (germline): Benign. Review status: criteria provided, single submitter (1 of 4 stars). 2 submissions from 2 submitters: Benign (1). 1 of the submissions does not count toward it. Last evaluated 2019-12-31.

Conditions:
ITPR3-related disorder. Also called: ITPR3-related condition.

Allele frequency attached by ClinVar (database versions not stated): gnomAD exomes 0.00294; ExAC 0.00496; ESP Exome Variant Server 0.01092; gnomAD 0.01099 and 0.01188; 1000 Genomes Project 0.01138; 1000 Genomes Project 30x 0.01280; TOPMed 0.01296.
gnomAD v4.1: 3,309 of 1,599,570 alleles (0.21%); highest among the groups gnomAD compares: African/African-American, 3.5%; 64 homozygotes.

Submissions (5):

Labcorp Genetics (formerly Invitae), Labcorp
Classification: Benign. Last evaluated: 2019-12-31. Review status: criteria provided, single submitter. Criteria: Invitae Variant Classification Sherloc (09022015). Collection method: clinical testing. Allele origin: germline.

PreventionGenetics, part of Exact Sciences
Classification: Benign for ITPR3-related condition. Last evaluated: 2020-01-31. Review status: no assertion criteria provided. Collection method: clinical testing. Allele origin: germline. Not counted in ClinVar's aggregate classification.
Comment: This variant is classified as benign based on ACMG/AMP sequence variant interpretation guidelines (Richards et al. 2015 PMID: 25741868, with internal and published modifications).

Dr. Peter K. Rogan Lab, Western University
No classification provided (evidence only). Condition: Cervical cancer. Review status: no classification provided. Collection method: in vitro. Allele origin: not applicable. Functional consequence: skipped exon. Not counted in ClinVar's aggregate classification.

Dr. Peter K. Rogan Lab, Western University
No classification provided (evidence only). Condition: Uterine carcinosarcoma. Review status: no classification provided. Collection method: in vitro. Allele origin: not applicable. Functional consequence: retained intron. Not counted in ClinVar's aggregate classification.

Dr. Peter K. Rogan Lab, Western University
No classification provided (evidence only). Condition: Familial pancreatic carcinoma. Review status: no classification provided. Collection method: in vitro. Allele origin: not applicable. Functional consequence: retained intron. Not counted in ClinVar's aggregate classification.